The following is an entry in ClinVar:

NM_001112741.2(KCNC1):c.655G>A (p.Val219Met)

Gene: KCNC1 (potassium voltage-gated channel subfamily C member 1; plus strand). Cytogenetic location: 11p15.1.
Variant type: single nucleotide variant.
Coding change: c.655G>A on transcript NM_001112741.2 (MANE Select); coding-DNA position 655, G replaced by A.
Protein change: p.Val219Met; replaces valine 219 with methionine.
Molecular consequence: missense variant.
Genome position (GRCh38, 1-based): chr11:17,771,749, G>A. VCF-style: chr11-17771749-G-A. GRCh37 (hg19) VCF-style: chr11-17793296-G-A.
Other names: c.655G>A, p.Val219Met (NM_004976.4); short protein forms V219M.
Identifiers: ClinVar variation 2858074 (VCV002858074.3), dbSNP rs955213839, ClinGen allele CA218468442.

ClinVar aggregate classification (germline): Uncertain significance (1 of 4 stars; one submission).

Conditions:
Progressive myoclonic epilepsy type 7. Identifiers: Orphanet 435438, MedGen C4015420, MONDO:0014521, OMIM 616187.

Allele frequency attached by ClinVar (database versions not stated): gnomAD 0.00002; gnomAD exomes 0.00001; TOPMed 0.00001.
gnomAD v4.1: 15 of 1,614,074 alleles (0.00093%); highest among the groups gnomAD compares: African/African-American, 0.004%; no homozygotes.

Submission:

Labcorp Genetics (formerly Invitae), Labcorp
Classification: Uncertain significance for Progressive myoclonic epilepsy type 7. Last evaluated: 2025-04-03. Review status: criteria provided, single submitter. Criteria: Invitae Variant Classification Sherloc (09022015). Collection method: clinical testing. Allele origin: germline.
Comment: This sequence change replaces valine, which is neutral and non-polar, with methionine, which is neutral and non-polar, at codon 219 of the KCNC1 protein (p.Val219Met). This variant is not present in population databases (gnomAD no frequency). This variant has not been reported in the literature in individuals affected with KCNC1-related conditions. ClinVar contains an entry for this variant (Variation ID: 2858074). Invitae Evidence Modeling of protein sequence and biophysical properties (such as structural, functional, and spatial information, amino acid conservation, physicochemical variation, residue mobility, and thermodynamic stability) indicates that this missense variant is not expected to disrupt KCNC1 protein function with a negative predictive value of 80%. In summary, the available evidence is currently insufficient to determine the role of this variant in disease. Therefore, it has been classified as a Variant of Uncertain Significance.